The following is an entry in ClinVar:

ClinVar aggregate classification (germline): Pathogenic/Likely pathogenic. Review status: criteria provided, multiple submitters, no conflicts (2 of 4 stars). 2 submissions from 2 submitters: Pathogenic (1); Likely pathogenic (1). Last evaluated 2025-12-08.

Conditions:
Hermansky-Pudlak syndrome 3 (HPS3). Identifiers: Orphanet 231512, Orphanet 79430, MedGen C3888001, MONDO:0013555, OMIM 614072.

Allele frequency attached by ClinVar (database versions not stated): gnomAD exomes below 0.00001.
gnomAD v4.1: 2 of 1,613,122 alleles (0.00012%); highest among the groups gnomAD compares: Non-Finnish European, 0.00017%; no homozygotes.

Submissions (2):

Labcorp Genetics (formerly Invitae), Labcorp
Classification: Pathogenic. Last evaluated: 2025-12-08. Review status: criteria provided, single submitter. Criteria: Invitae Variant Classification Sherloc (09022015). Collection method: clinical testing. Allele origin: germline.
Comment: This sequence change creates a premature translational stop signal (p.Glu219*) in the HPS3 gene. It is expected to result in an absent or disrupted protein product. Loss-of-function variants in HPS3 are known to be pathogenic (PMID: 11590544). This variant is not present in population databases (gnomAD no frequency). This variant has not been reported in the literature in individuals affected with HPS3-related conditions. ClinVar contains an entry for this variant (Variation ID: 2715100). Algorithms developed to predict the effect of sequence changes on RNA splicing suggest that this variant may disrupt the consensus splice site. For these reasons, this variant has been classified as Pathogenic.

Fulgent Genetics
Classification: Likely pathogenic for Hermansky-Pudlak syndrome 3. Last evaluated: 2024-05-14. Review status: criteria provided, single submitter. Criteria: ACMG Guidelines, 2015. Collection method: clinical testing. Allele origin: germline.

Literature cited by the submitters: PubMed 11590544 (cited by Labcorp Genetics (formerly Invitae), Labcorp).

NM_032383.5(HPS3):c.655G>T (p.Glu219Ter)

Gene: HPS3 (HPS3 biogenesis of lysosomal organelles complex 2 subunit 1; plus strand). Cytogenetic location: 3q24.
Variant type: single nucleotide variant.
Coding change: c.655G>T on transcript NM_032383.5 (MANE Select); coding-DNA position 655, G replaced by T.
Protein change: p.Glu219Ter; replaces glutamic acid 219 with a stop codon.
Molecular consequence: nonsense. On other transcripts: intron variant (1).
Genome position (GRCh38, 1-based): chr3:149,140,441, G>T. VCF-style: chr3-149140441-G-T. GRCh37 (hg19) VCF-style: chr3-148858228-G-T.
Other names: c.218-576G>T (NM_001308258.2); short protein forms E219*.
Identifiers: ClinVar variation 2715100 (VCV002715100.4), dbSNP rs1559908974, ClinGen allele CA354912631.